The following is an entry in ClinVar:

ClinVar aggregate classification (germline): Uncertain significance (1 of 4 stars; one submission).

Conditions:
Nemaline myopathy 8 (NEM8). Also called: Nemaline myopathy 8, autosomal recessive. Identifiers: Orphanet 171430, MedGen C3809209, MONDO:0014138, OMIM 615348.

Submission:

Labcorp Genetics (formerly Invitae), Labcorp
Classification: Uncertain significance for Nemaline myopathy 8. Last evaluated: 2023-10-26. Review status: criteria provided, single submitter. Criteria: Invitae Variant Classification Sherloc (09022015). Collection method: clinical testing. Allele origin: germline.
Comment: This variant results in a copy number gain of the genomic region encompassing exon(s) 1-2 of the KLHL40 gene. This region includes the initiator codon of the gene. This copy number gain extends beyond the assayed region for this gene and therefore may encompass additional genes. As the precise location of this event is unknown, it may be in tandem or it may be located elsewhere in the genome. This variant has not been reported in the literature in individuals affected with KLHL40-related conditions. In summary, the available evidence is currently insufficient to determine the role of this variant in disease. Therefore, it has been classified as a Variant of Uncertain Significance.

NC_000003.11:g.(?_42727111)_(42729814_?)dup

Gene: KLHL40 (kelch like family member 40; plus strand). Cytogenetic location: 3p22.1.
Variant type: Duplication.
Identifiers: ClinVar variation 1514565 (VCV001514565.4).